The following is an entry in ClinVar:

NM_024675.4(PALB2):c.3267_3268del (p.Phe1090fs)

Gene: PALB2 (partner and localizer of BRCA2; minus strand). Cytogenetic location: 16p12.2.
Variant type: Microsatellite.
Coding change: c.3267_3268del on transcript NM_024675.4 (MANE Select); coding-DNA positions 3267 to 3268, 2 bases deleted (GT; older notation c.3267_3268delGT).
Protein change: p.Phe1090fs; shifts the reading frame from phenylalanine 1090.
Molecular consequence: frameshift variant.
Genome position (GRCh38, 1-based): chr16:23,607,946-23,607,947, AC deleted on the plus strand (GT on the coding strand, the reverse complement: PALB2 is on the minus strand); deleting any 2 consecutive bases within chr16:23,607,946-23,607,950 gives the same sequence; the c. name uses the placement nearest the transcript's 3' end. VCF-style (leftmost placement, unchanged base first): chr16-23607945-AAC-A. GRCh37 (hg19) VCF-style: chr16-23619266-AAC-A.
Other names: c.3267_3268delGT (NM_024675.3); short protein forms F1090fs.
Identifiers: ClinVar variation 141627 (VCV000141627.15), dbSNP rs587781890, ClinGen allele CA165978.
Genomic context (GRCh38, chr16:23,607,945, plus strand): 5'-AGACAGTACAGCATCACACCCACGCTGAGAGTCGTCTTAGGGTTAATCACAATGAGCTGA[AAC>A]ACAGGGCTTCGCAACGACTCACTCTCTTTGGCACAGGGATGACTCAGGACAATAAAGAGA-3'

ClinVar aggregate classification (germline): Pathogenic. Review status: criteria provided, multiple submitters, no conflicts (2 of 4 stars). 2 submissions from 2 submitters: Pathogenic (2). Last evaluated 2024-08-04.

Conditions:
Hereditary cancer-predisposing syndrome. Also called: Neoplastic Syndromes, Hereditary; Tumor predisposition; Hereditary Cancer Syndrome; Hereditary neoplastic syndrome. Identifiers: Orphanet 140162, MedGen C0027672, MeSH D009386, MONDO:0015356.
Familial cancer of breast. Also called: BREAST CANCER, FAMILIAL; Hereditary breast cancer; hereditary breast carcinoma. Identifiers: Orphanet 227535, MedGen C0346153, MONDO:0016419, OMIM 114480. Disease mechanism: loss of function.

Submissions (2):

Labcorp Genetics (formerly Invitae), Labcorp
Classification: Pathogenic for Familial cancer of breast. Last evaluated: 2024-08-04. Review status: criteria provided, single submitter. Criteria: Invitae Variant Classification Sherloc (09022015). Collection method: clinical testing. Allele origin: germline.
Comment: This sequence change creates a premature translational stop signal (p.Phe1090Serfs*6) in the PALB2 gene. It is expected to result in an absent or disrupted protein product. Loss-of-function variants in PALB2 are known to be pathogenic (PMID: 17200668, 17200671, 17200672, 24136930, 25099575). This variant is not present in population databases (gnomAD no frequency). This premature translational stop signal has been observed in individual(s) with breast cancer (PMID: 29338689). ClinVar contains an entry for this variant (Variation ID: 141627). Algorithms developed to predict the effect of sequence changes on RNA splicing suggest that this variant may disrupt the consensus splice site. For these reasons, this variant has been classified as Pathogenic.

Ambry Genetics
Classification: Pathogenic for Hereditary cancer-predisposing syndrome. Last evaluated: 2022-09-21. Review status: criteria provided, single submitter. Criteria: Ambry Variant Classification Scheme 2023. Collection method: clinical testing. Allele origin: germline.
Comment: The c.3267_3268delGT pathogenic mutation, located in coding exon 12 of the PALB2 gene, results from a deletion of two nucleotides at nucleotide positions 3267 to 3268, causing a translational frameshift with a predicted alternate stop codon (p.F1090Sfs*6). This variant is considered to be rare based on population cohorts in the Genome Aggregation Database (gnomAD). This alteration is expected to result in loss of function by premature protein truncation or nonsense-mediated mRNA decay. As such, this alteration is interpreted as a disease-causing mutation.

Literature cited by the submitters: PubMed 17200668 (cited by Labcorp Genetics (formerly Invitae), Labcorp); PubMed 17200671 (cited by Labcorp Genetics (formerly Invitae), Labcorp); PubMed 17200672 (cited by Labcorp Genetics (formerly Invitae), Labcorp); PubMed 24136930 (cited by Labcorp Genetics (formerly Invitae), Labcorp); PubMed 25099575 (cited by Labcorp Genetics (formerly Invitae), Labcorp); PubMed 29338689 (cited by Labcorp Genetics (formerly Invitae), Labcorp).